The following is an entry in ClinVar:

NM_001283009.2(RTEL1):c.3069C>G (p.Asn1023Lys)

Genes: RTEL1 (regulator of telomere elongation helicase 1; plus strand), RTEL1-TNFRSF6B (RTEL1-TNFRSF6B readthrough (NMD candidate); plus strand). Cytogenetic location: 20q13.33.
Variant type: single nucleotide variant.
Coding change: c.3069C>G on transcript NM_001283009.2 (MANE Select); coding-DNA position 3069, C replaced by G.
Protein change: p.Asn1023Lys; replaces asparagine 1023 with lysine.
Molecular consequence: missense variant. On other transcripts: non-coding transcript variant (1).
Genome position (GRCh38, 1-based): chr20:63,694,448, C>G. VCF-style: chr20-63694448-C-G. GRCh37 (hg19) VCF-style: chr20-62325801-C-G.
Other names: c.2400C>G, p.Asn800Lys (NM_001283010.1); c.3069C>G, p.Asn1023Lys (NM_016434.4); c.3141C>G, p.Asn1047Lys (NM_032957.5); short protein forms N800K, N1047K, N1023K.
Identifiers: ClinVar variation 1413505 (VCV001413505.4), dbSNP rs773448494, ClinGen allele CA9965821.

ClinVar aggregate classification (germline): Uncertain significance. Review status: criteria provided, multiple submitters, no conflicts (2 of 4 stars). 2 submissions from 2 submitters: Uncertain significance (2). Last evaluated 2026-07-05.

Conditions:
Inborn genetic diseases. Identifiers: MedGen C0950123, MeSH D030342.
Pulmonary fibrosis and/or bone marrow failure, Telomere-related, 3. Also called: PULMONARY FIBROSIS AND/OR BONE MARROW FAILURE SYNDROME, TELOMERE-RELATED, 3. Identifiers: Orphanet 2032, MedGen C4225346, MONDO:0014613, OMIM 616373.
Dyskeratosis congenita, autosomal recessive 5 (DKCB5). Identifiers: MedGen C3554656, MONDO:0014076, OMIM 615190.

Allele frequency attached by ClinVar (database versions not stated): gnomAD exomes below 0.00001; ExAC 0.00001.
gnomAD v4.1: 2 of 1,609,296 alleles (0.00012%); highest among the groups gnomAD compares: African/African-American, 0.0013%; no homozygotes.

Submissions (2):

Ambry Genetics
Classification: Uncertain significance for Inborn genetic diseases. Last evaluated: 2026-07-05. Review status: criteria provided, single submitter. Criteria: Ambry Variant Classification Scheme 2023. Collection method: clinical testing. Allele origin: germline.
Comment: The p.N1023K variant (also known as c.3069C>G), located in coding exon 30 of the RTEL1 gene, results from a C to G substitution at nucleotide position 3069. The asparagine at codon 1023 is replaced by lysine, an amino acid with similar properties. This amino acid position is conserved. In addition, the in silico prediction for this alteration is inconclusive. Based on the available evidence, the clinical significance of this variant remains unclear.

Labcorp Genetics (formerly Invitae), Labcorp
Classification: Uncertain significance for Dyskeratosis congenita, autosomal recessive 5; Pulmonary fibrosis and/or bone marrow failure, Telomere-related, 3. Last evaluated: 2021-08-19. Review status: criteria provided, single submitter. Criteria: Invitae Variant Classification Sherloc (09022015). Collection method: clinical testing. Allele origin: germline.
Comment: This sequence change replaces asparagine with lysine at codon 1023 of the RTEL1 protein (p.Asn1023Lys). The asparagine residue is moderately conserved and there is a moderate physicochemical difference between asparagine and lysine. This variant is present in population databases (rs773448494, ExAC 0.006%). This variant has not been reported in the literature in individuals affected with RTEL1-related conditions. Algorithms developed to predict the effect of missense changes on protein structure and function are either unavailable or do not agree on the potential impact of this missense change (SIFT: "Deleterious"; PolyPhen-2: "Probably Damaging"; Align-GVGD: "Class C0"). In summary, the available evidence is currently insufficient to determine the role of this variant in disease. Therefore, it has been classified as a Variant of Uncertain Significance.